The following is an entry in ClinVar:

ClinVar aggregate classification (germline): Uncertain significance. Review status: criteria provided, multiple submitters, no conflicts (2 of 4 stars). 4 submissions from 4 submitters: Uncertain significance (3). 1 of the submissions does not count toward it. Last evaluated 2024-04-30.

Conditions:
Neuronal ceroid lipofuscinosis. Also called: Neuronal Ceroid Lipofuscinoses. Identifiers: Orphanet 216, Orphanet 79263, MedGen C0027877, MONDO:0016295. Disease mechanism: loss of function.
Ceroid lipofuscinosis, neuronal, 6A. Also called: Neuronal ceroid lipofuscinosis, Gypsy/Indian early juvenile variant; Neuronal ceroid lipofuscinosis 6; CLN6-Related Neuronal Ceroid-Lipofuscinosis; Neuronal ceroid lipofuscinosis, late infantile, variant. Identifiers: Orphanet 168491, Orphanet 228363, MedGen C5551375, MONDO:0011144, OMIM 601780.

Allele frequency attached by ClinVar (database versions not stated): gnomAD exomes below 0.00001 and 0.00001; TOPMed below 0.00001; ExAC 0.00001.
gnomAD v4.1: 7 of 1,613,974 alleles (0.00043%); highest among the groups gnomAD compares: Non-Finnish European, 0.00059%; no homozygotes.

Submissions (4):

Women's Health and Genetics/Laboratory Corporation of America, LabCorp
Classification: Uncertain significance. Last evaluated: 2024-04-30. Review status: criteria provided, single submitter. Criteria: LabCorp Variant Classification Summary - May 2015. Collection method: clinical testing. Allele origin: germline.
Comment: Variant summary: CLN6 c.373A>G (p.Ser125Gly) results in a non-conservative amino acid change in the encoded protein sequence. Five of five in-silico tools predict a damaging effect of the variant on protein function. The variant allele was found at a frequency of 4e-06 in 251272 control chromosomes. The available data on variant occurrences in the general population are insufficient to allow any conclusion about variant significance. c.373A>G has been reported in the literature in at least one individual affected with Neuronal Ceroid-Lipofuscinosis (Batten Disease) (e.g., DiFruscio_2015). These data do not allow any conclusion about variant significance. To our knowledge, no experimental evidence demonstrating an impact on protein function has been reported. The following publication have been ascertained in the context of this evaluation (PMID: 26075876). ClinVar contains an entry for this variant (Variation ID: 552943). Based on the evidence outlined above, the variant was classified as uncertain significance.

Blueprint Genetics
Classification: Uncertain significance. Last evaluated: 2024-03-28. Review status: criteria provided, single submitter. Criteria: ACMG Guidelines, 2015. Collection method: clinical testing. Allele origin: germline.

Labcorp Genetics (formerly Invitae), Labcorp
Classification: Uncertain significance for Neuronal ceroid lipofuscinosis. Last evaluated: 2022-08-20. Review status: criteria provided, single submitter. Criteria: Invitae Variant Classification Sherloc (09022015). Collection method: clinical testing. Allele origin: germline.
Comment: This sequence change replaces serine, which is neutral and polar, with glycine, which is neutral and non-polar, at codon 125 of the CLN6 protein (p.Ser125Gly). This variant is present in population databases (rs772893554, gnomAD 0.0009%). This missense change has been observed in individual(s) with neuronal ceroid lipofuscinosis (PMID: 26075876). ClinVar contains an entry for this variant (Variation ID: 552943). Algorithms developed to predict the effect of missense changes on protein structure and function are either unavailable or do not agree on the potential impact of this missense change (SIFT: "Deleterious"; PolyPhen-2: "Probably Damaging"; Align-GVGD: "Class C0"). In summary, the available evidence is currently insufficient to determine the role of this variant in disease. Therefore, it has been classified as a Variant of Uncertain Significance.

Counsyl
Classification: Uncertain significance for Ceroid lipofuscinosis, neuronal, 6A. Last evaluated: 2017-07-19. Review status: no assertion criteria provided. Collection method: clinical testing. Allele origin: unknown. Not counted in ClinVar's aggregate classification.

Literature cited by the submitters: PubMed 26075876 (cited by 3 submitters).

NM_017882.3(CLN6):c.373A>G (p.Ser125Gly)

Gene: CLN6 (CLN6 transmembrane ER protein; minus strand). Cytogenetic location: 15q23.
Variant type: single nucleotide variant.
Coding change: c.373A>G on transcript NM_017882.3 (MANE Select); coding-DNA position 373, A replaced by G.
Protein change: p.Ser125Gly; replaces serine 125 with glycine.
Molecular consequence: missense variant.
Genome position (GRCh38, 1-based): chr15:68,211,788, T>C on the plus strand (A>G on the coding strand, the complement: CLN6 is on the minus strand). VCF-style: chr15-68211788-T-C. GRCh37 (hg19) VCF-style: chr15-68504126-T-C.
Other names: short protein forms S125G.
Identifiers: ClinVar variation 552943 (VCV000552943.11), dbSNP rs772893554, ClinGen allele CA7630614.